The following is an entry in ClinVar:

NM_004369.4(COL6A3):c.3071-286T>C

Gene: COL6A3 (collagen type VI alpha 3 chain; minus strand). Cytogenetic location: 2q37.3.
Variant type: single nucleotide variant.
Coding change: c.3071-286T>C on transcript NM_004369.4 (MANE Select); 286 bases into the intron before coding-DNA position 3071, T replaced by C.
Molecular consequence: intron variant.
Genome position (GRCh38, 1-based): chr2:237,375,306, A>G on the plus strand (T>C on the coding strand, the complement: COL6A3 is on the minus strand). VCF-style: chr2-237375306-A-G. GRCh37 (hg19) VCF-style: chr2-238283949-A-G.
Other names: c.1250-286T>C (NM_057166.5); c.2453-286T>C (NM_057167.4, NM_057165.5); c.1850-286T>C (NM_057164.5).
Identifiers: ClinVar variation 671844 (VCV000671844.1), dbSNP rs72986160, ClinGen allele CA67824255.

ClinVar aggregate classification (germline): Benign (1 of 4 stars; one submission).

Allele frequency attached by ClinVar (database versions not stated): 1000 Genomes Project 0.03135; 1000 Genomes Project 30x 0.03201; TOPMed 0.04907; gnomAD 0.05327 and 0.05364.
gnomAD v4.1: 8,227 of 152,168 alleles (5.4%); highest among the groups gnomAD compares: Middle Eastern, 7.8%; 303 homozygotes.

Submission:

GeneDx
Classification: Benign. Last evaluated: 2018-06-19. Review status: criteria provided, single submitter. Criteria: GeneDx Variant Classification (06012015). Collection method: clinical testing. Allele origin: germline. Affected: yes.
Comment: This variant is considered likely benign or benign based on one or more of the following criteria: it is a conservative change, it occurs at a poorly conserved position in the protein, it is predicted to be benign by multiple in silico algorithms, and/or has population frequency not consistent with disease.